The following is an entry in ClinVar:

ClinVar aggregate classification (germline): Uncertain significance. Review status: criteria provided, multiple submitters, no conflicts (2 of 4 stars). 2 submissions from 2 submitters: Uncertain significance (2). Last evaluated 2025-05-14.

Conditions:
Pitt-Hopkins-like syndrome 2 (PTHSL2). Identifiers: Orphanet 221150, Orphanet 600663, MedGen C3280479, MONDO:0013690, OMIM 614325.

Submissions (2):

GeneDx
Classification: Uncertain significance. Last evaluated: 2025-05-14. Review status: criteria provided, single submitter. Criteria: GeneDx Variant Classification Process June 2021. Collection method: clinical testing. Allele origin: germline. Affected: yes.
Comment: Not observed at significant frequency in large population cohorts (gnomAD); In silico analysis supports that this missense variant has a deleterious effect on protein structure/function; Has not been previously published as pathogenic or benign to our knowledge

Labcorp Genetics (formerly Invitae), Labcorp
Classification: Uncertain significance for Pitt-Hopkins-like syndrome 2. Last evaluated: 2023-01-06. Review status: criteria provided, single submitter. Criteria: Invitae Variant Classification Sherloc (09022015). Collection method: clinical testing. Allele origin: germline.
Comment: In summary, the available evidence is currently insufficient to determine the role of this variant in disease. Therefore, it has been classified as a Variant of Uncertain Significance. Advanced modeling of protein sequence and biophysical properties (such as structural, functional, and spatial information, amino acid conservation, physicochemical variation, residue mobility, and thermodynamic stability) performed at Invitae indicates that this missense variant is not expected to disrupt NRXN1 protein function. This variant has not been reported in the literature in individuals affected with NRXN1-related conditions. This variant is not present in population databases (gnomAD no frequency). This sequence change replaces alanine, which is neutral and non-polar, with valine, which is neutral and non-polar, at codon 1085 of the NRXN1 protein (p.Ala1085Val).

NM_001330078.2(NRXN1):c.3134C>T (p.Ala1045Val)

Gene: NRXN1 (neurexin 1; minus strand). Cytogenetic location: 2p16.3.
Variant type: single nucleotide variant.
Coding change: c.3134C>T on transcript NM_001330078.2 (MANE Select); coding-DNA position 3134, C replaced by T.
Protein change: p.Ala1045Val; replaces alanine 1045 with valine.
Molecular consequence: missense variant.
Genome position (GRCh38, 1-based): chr2:50,472,408, G>A on the plus strand (C>T on the coding strand, the complement: NRXN1 is on the minus strand). VCF-style: chr2-50472408-G-A. GRCh37 (hg19) VCF-style: chr2-50699546-G-A.
Other names: c.3254C>T, p.Ala1085Val (NM_001135659.3); c.3110C>T, p.Ala1037Val (NM_001330077.2, NM_001330082.2); c.3068C>T, p.Ala1023Val (NM_001330083.2, NM_001330084.2); c.3107C>T, p.Ala1036Val (NM_001330085.2); c.3134C>T, p.Ala1045Val (NM_001330086.2, NM_004801.6); c.3023C>T, p.Ala1008Val (NM_001330087.2, NM_001330096.2); c.3053C>T, p.Ala1018Val (NM_001330088.2); c.3131C>T, p.Ala1044Val (NM_001330093.2); and 3 more; short protein forms A1008V, A1041V, A1085V, A1023V, A1044V, A1018V, A1037V, A1045V.
Identifiers: ClinVar variation 2807670 (VCV002807670.4), dbSNP rs2468655785, ClinGen allele CA346772469.